The following is an entry in ClinVar:

ClinVar aggregate classification (germline): Uncertain significance (1 of 4 stars; one submission).

Conditions:
Catecholaminergic polymorphic ventricular tachycardia 1. Also called: RYR2-Related Catecholaminergic Polymorphic Ventricular Tachycardia; VENTRICULAR TACHYCARDIA, CATECHOLAMINERGIC POLYMORPHIC, 1, WITH OR WITHOUT ATRIAL DYSFUNCTION AND/OR DILATED CARDIOMYOPATHY; VENTRICULAR TACHYCARDIA, STRESS-INDUCED POLYMORPHIC 1. Identifiers: Orphanet 3286, MedGen C1631597, MONDO:0011484, OMIM 604772.

Submission:

Labcorp Genetics (formerly Invitae), Labcorp
Classification: Uncertain significance for Catecholaminergic polymorphic ventricular tachycardia 1. Last evaluated: 2025-01-30. Review status: criteria provided, single submitter. Criteria: Invitae Variant Classification Sherloc (09022015). Collection method: clinical testing. Allele origin: germline.
Comment: This sequence change creates a premature translational stop signal (p.His3560Ilefs*41) in the RYR2 gene. It is expected to result in an absent or disrupted protein product. However, the current clinical and genetic evidence is not sufficient to establish whether loss-of-function variants in RYR2 cause disease. This variant is not present in population databases (gnomAD no frequency). This variant has not been reported in the literature in individuals affected with RYR2-related conditions. In summary, the available evidence is currently insufficient to determine the role of this variant in disease. Therefore, it has been classified as a Variant of Uncertain Significance.

NM_001035.3(RYR2):c.10677del (p.His3560fs)

Gene: RYR2 (ryanodine receptor 2; plus strand). Cytogenetic location: 1q43.
Variant type: Deletion.
Coding change: c.10677del on transcript NM_001035.3 (MANE Select); coding-DNA position 10677, one base deleted (T; older notation c.10677delT).
Protein change: p.His3560fs; shifts the reading frame from histidine 3560.
Molecular consequence: frameshift variant.
Genome position (GRCh38, 1-based): chr1:237,723,250, T deleted; the last of 5 consecutive T bases (chr1:237,723,246-237,723,250); deleting any one gives the same sequence. VCF-style (leftmost placement, unchanged base first): chr1-237723245-CT-C. GRCh37 (hg19) VCF-style: chr1-237886545-CT-C.
Other names: short protein forms H3560fs.
Identifiers: ClinVar variation 3729816 (VCV003729816.2).